The following is an entry in ClinVar:

ClinVar aggregate classification (germline): Benign/Likely benign. Review status: criteria provided, multiple submitters, no conflicts (2 of 4 stars). 2 submissions from 2 submitters: Benign (1); Likely benign (1). Last evaluated 2022-09-01.

Allele frequency attached by ClinVar (database versions not stated): 1000 Genomes Project 0.00140; gnomAD 0.00143 and 0.00135; 1000 Genomes Project 30x 0.00156; gnomAD exomes 0.00014 and 0.00036; ExAC 0.00036; ESP Exome Variant Server 0.00123; TOPMed 0.00125.
gnomAD v4.1: 405 of 1,613,380 alleles (0.025%); highest among the groups gnomAD compares: African/African-American, 0.5%; no homozygotes.

Submissions (2):

CeGaT Center for Human Genetics Tuebingen
Classification: Benign. Last evaluated: 2022-09-01. Review status: criteria provided, single submitter. Criteria: CeGaT Center For Human Genetics Tuebingen Variant Classification Criteria Version 2. Collection method: clinical testing. Allele origin: germline. Affected: yes. Observed: 1 variant allele.
Comment: KIF21A: BS1, BS2

Labcorp Genetics (formerly Invitae), Labcorp
Classification: Likely benign. Last evaluated: 2019-12-31. Review status: criteria provided, single submitter. Criteria: Invitae Variant Classification Sherloc (09022015). Collection method: clinical testing. Allele origin: germline.

NM_001173464.2(KIF21A):c.3854A>C (p.Asn1285Thr)

Gene: KIF21A (kinesin family member 21A; minus strand). Cytogenetic location: 12q12.
Variant type: single nucleotide variant.
Coding change: c.3854A>C on transcript NM_001173464.2 (MANE Select); coding-DNA position 3854, A replaced by C.
Protein change: p.Asn1285Thr; replaces asparagine 1285 with threonine.
Molecular consequence: missense variant.
Genome position (GRCh38, 1-based): chr12:39,318,127, T>G on the plus strand (A>C on the coding strand, the complement: KIF21A is on the minus strand). VCF-style: chr12-39318127-T-G. GRCh37 (hg19) VCF-style: chr12-39711929-T-G.
Other names: c.3794A>C, p.Asn1265Thr (NM_001173463.2); c.3746A>C, p.Asn1249Thr (NM_001173465.2); c.3815A>C, p.Asn1272Thr (NM_017641.4); short protein forms N1265T, N1285T, N1272T, N1249T.
Identifiers: ClinVar variation 728378 (VCV000728378.28), dbSNP rs150630573, ClinGen allele CA6510393.
Genomic context (GRCh38, chr12:39,318,127, plus strand): 5'-ACTTACTTATCCTGCTGAACTGATGTGTTTCCCTGAGAAACAGTAAGACGATTAAAAACA[T>G]TCAGTTCATTACGGGGCCGGCTTGGTGGGGAAGAAGGAGGTGAAAGACTAGCCTCTGAAG-3'
Protein context (NP_001166935.1, residues 1275-1295): SPPSRPRNEL[Asn1285Thr]VFNRLTVSQG